The following is an entry in ClinVar:

NM_005220.3(DLX3):c.525C>G (p.Ile175Met)

Gene: DLX3 (distal-less homeobox 3; minus strand). Cytogenetic location: 17q21.33.
Variant type: single nucleotide variant.
Coding change: c.525C>G on transcript NM_005220.3 (MANE Select); coding-DNA position 525, C replaced by G.
Protein change: p.Ile175Met; replaces isoleucine 175 with methionine.
Molecular consequence: missense variant.
Genome position (GRCh38, 1-based): chr17:49,991,856, G>C on the plus strand (C>G on the coding strand, the complement: DLX3 is on the minus strand). VCF-style: chr17-49991856-G-C. GRCh37 (hg19) VCF-style: chr17-48069220-G-C.
Other names: short protein forms I175M.
Identifiers: ClinVar variation 2850795 (VCV002850795.3), dbSNP rs2544347070, ClinGen allele CA400174901.

ClinVar aggregate classification (germline): Uncertain significance (1 of 4 stars; one submission).

Submission:

Labcorp Genetics (formerly Invitae), Labcorp
Classification: Uncertain significance. Last evaluated: 2023-03-29. Review status: criteria provided, single submitter. Criteria: Invitae Variant Classification Sherloc (09022015). Collection method: clinical testing. Allele origin: germline.
Comment: In summary, the available evidence is currently insufficient to determine the role of this variant in disease. Therefore, it has been classified as a Variant of Uncertain Significance. Advanced modeling of protein sequence and biophysical properties (such as structural, functional, and spatial information, amino acid conservation, physicochemical variation, residue mobility, and thermodynamic stability) performed at Invitae indicates that this missense variant is expected to disrupt DLX3 protein function. This variant has not been reported in the literature in individuals affected with DLX3-related conditions. This variant is not present in population databases (gnomAD no frequency). This sequence change replaces isoleucine, which is neutral and non-polar, with methionine, which is neutral and non-polar, at codon 175 of the DLX3 protein (p.Ile175Met).